The following is an entry in ClinVar:

NM_000142.5(FGFR3):c.1598G>C (p.Gly533Ala)

Gene: FGFR3 (fibroblast growth factor receptor 3; plus strand). Cytogenetic location: 4p16.3.
Variant type: single nucleotide variant.
Coding change: c.1598G>C on transcript NM_000142.5 (MANE Select); coding-DNA position 1598, G replaced by C.
Protein change: p.Gly533Ala; replaces glycine 533 with alanine.
Molecular consequence: missense variant. On other transcripts: non-coding transcript variant (1).
Genome position (GRCh38, 1-based): chr4:1,805,622, G>C. VCF-style: chr4-1805622-G-C. GRCh37 (hg19) VCF-style: chr4-1807349-G-C.
Other names: c.1604G>C, p.Gly535Ala (NM_001163213.2); c.1601G>C, p.Gly534Ala (NM_001354809.2, NM_001354810.2); c.1262G>C, p.Gly421Ala (NM_022965.4); short protein forms G421A, G533A, G534A, G535A.
Identifiers: ClinVar variation 3393585 (VCV003393585.1).

ClinVar aggregate classification (germline): Uncertain significance (1 of 4 stars; one submission).

Submission:

GeneDx
Classification: Uncertain significance. Last evaluated: 2024-07-03. Review status: criteria provided, single submitter. Criteria: GeneDx Variant Classification Process June 2021. Collection method: clinical testing. Allele origin: germline. Affected: yes.
Comment: Not observed at significant frequency in large population cohorts (gnomAD); In silico analysis supports that this missense variant has a deleterious effect on protein structure/function; Has not been previously published as pathogenic or benign to our knowledge